The following is an entry in ClinVar:

NM_001372044.2(SHANK3):c.2678A>C (p.Gln893Pro)

Gene: SHANK3 (SH3 and multiple ankyrin repeat domains 3; plus strand). Cytogenetic location: 22q13.33.
Variant type: single nucleotide variant.
Coding change: c.2678A>C on transcript NM_001372044.2 (MANE Select); coding-DNA position 2678, A replaced by C.
Protein change: p.Gln893Pro; replaces glutamine 893 with proline.
Molecular consequence: missense variant.
Genome position (GRCh38, 1-based): chr22:50,720,286, A>C. VCF-style: chr22-50720286-A-C. GRCh37 (hg19) VCF-style: chr22-51158714-A-C.
Other names: c.2453A>C, p.Gln818Pro (NM_033517.1); short protein forms Q818P, Q893P.
Identifiers: ClinVar variation 392474 (VCV000392474.3), dbSNP rs1020480936, ClinGen allele CA16609106.
Genomic context (GRCh38, chr22:50,720,286, plus strand): 5'-CGCGGAGCACCTCGATGCAAGACCCGGTGCGCGAGGGTCGCGGCATCCCGCCCCCGCCGC[A>C]GACCGCGCCGCCTCCCCCGCCCGCGCCCTACTACTTCGACTCGGGGCCGCCCCCGGCCTT-3'
Protein context (NP_001358973.1, residues 883-903): REGRGIPPPP[Gln893Pro]TAPPPPPAPY

ClinVar aggregate classification (germline): Uncertain significance (1 of 4 stars; one submission).

Allele frequency attached by ClinVar (database versions not stated): gnomAD 0.00002 and 0.00003; TOPMed 0.00003.

Submission:

GeneDx
Classification: Uncertain significance. Last evaluated: 2024-05-09. Review status: criteria provided, single submitter. Criteria: GeneDx Variant Classification Process June 2021. Collection method: clinical testing. Allele origin: germline. Affected: yes.
Comment: Not observed at significant frequency in large population cohorts (gnomAD); In silico analysis supports that this missense variant has a deleterious effect on protein structure/function; Has not been previously published as pathogenic or benign to our knowledge